The following is an entry in ClinVar:

ClinVar aggregate classification (germline): Pathogenic (1 of 4 stars; one submission).

Conditions:
Glycogen storage disease type III (GSD3). Also called: Cori disease; FORBES DISEASE. Identifiers: Orphanet 366, MedGen C0017922, MONDO:0009291, OMIM 232400.

Submission:

Labcorp Genetics (formerly Invitae), Labcorp
Classification: Pathogenic for Glycogen storage disease type III. Last evaluated: 2026-01-20. Review status: criteria provided, single submitter. Criteria: Invitae Variant Classification Sherloc (09022015). Collection method: clinical testing. Allele origin: germline.
Comment: This sequence change affects an acceptor splice site in intron 4 of the AGL gene. RNA analysis indicates that disruption of this splice site induces altered splicing and likely results in a shortened protein product. This variant is not present in population databases (gnomAD no frequency). Disruption of this splice site has been observed in individual(s) with glycogen storage disease type III (PMID: 10801050, 26984562). Studies have shown that disruption of this splice site results in skipping of exon 5 (also known as exon 6), but is expected to preserve the integrity of the reading-frame (PMID: 10801050). For these reasons, this variant has been classified as Pathogenic.

Literature cited by the submitters: PubMed 10801050; PubMed 26984562.

NM_000642.3(AGL):c.461-2A>G

Gene: AGL (amylo-alpha-1,6-glucosidase and 4-alpha-glucanotransferase; plus strand). Cytogenetic location: 1p21.2.
Variant type: single nucleotide variant.
Coding change: c.461-2A>G on transcript NM_000642.3 (MANE Select); the canonical splice acceptor site of the intron before coding-DNA position 461, A replaced by G.
Molecular consequence: splice acceptor variant. On other transcripts: intron variant (2).
Genome position (GRCh38, 1-based): chr1:99,864,384, A>G. VCF-style: chr1-99864384-A-G. GRCh37 (hg19) VCF-style: chr1-100329940-A-G.
Other names: c.461-2A>G (NM_000643.3, NM_000644.3, NM_001425326.1 and 3 more transcripts); c.413-2A>G (NM_000646.3); c.460+1961A>G (NM_001425328.1, NM_001425329.1); c.83-2A>G (NM_001425332.1).
Identifiers: ClinVar variation 4768362 (VCV004768362.1).